The following is an entry in ClinVar:

ClinVar aggregate classification (germline): Uncertain significance. Review status: criteria provided, multiple submitters, no conflicts (2 of 4 stars). 2 submissions from 2 submitters: Uncertain significance (2). Last evaluated 2026-07-07.

Conditions:
Inborn genetic diseases. Identifiers: MedGen C0950123, MeSH D030342.
USP53-related disorder. Also called: USP53-related condition.

Allele frequency attached by ClinVar (database versions not stated): ExAC 0.00001; gnomAD 0.00001; gnomAD exomes 0.00002; TOPMed 0.00005.
gnomAD v4.1: 13 of 1,611,776 alleles (0.00081%); highest among the groups gnomAD compares: Admixed American, 0.018%; no homozygotes.

Submissions (2):

PreventionGenetics, part of Exact Sciences
Classification: Uncertain significance for USP53-related condition. Last evaluated: 2026-07-07. Review status: criteria provided, single submitter. Criteria: ACMG Guidelines, 2015. Collection method: clinical testing. Allele origin: germline.
Comment: The USP53 c.821G>A variant is predicted to result in the amino acid substitution p.Gly274Glu. To our knowledge, this variant has not been reported in the literature. This variant is reported in 0.018% of alleles in individuals of Latino descent in gnomAD. At this time, the clinical significance of this variant is uncertain due to the absence of conclusive functional and genetic evidence.

Ambry Genetics
Classification: Uncertain significance for Inborn genetic diseases. Last evaluated: 2023-08-20. Review status: criteria provided, single submitter. Criteria: Ambry Variant Classification Scheme 2023. Collection method: clinical testing. Allele origin: germline.

NM_001371395.1(USP53):c.821G>A (p.Gly274Glu)

Gene: USP53 (ubiquitin specific peptidase 53; plus strand). Cytogenetic location: 4q26.
Variant type: single nucleotide variant.
Coding change: c.821G>A on transcript NM_001371395.1 (MANE Select); coding-DNA position 821, G replaced by A.
Protein change: p.Gly274Glu; replaces glycine 274 with glutamic acid.
Molecular consequence: missense variant.
Genome position (GRCh38, 1-based): chr4:119,260,652, G>A. VCF-style: chr4-119260652-G-A. GRCh37 (hg19) VCF-style: chr4-120181807-G-A.
Other names: c.821G>A, p.Gly274Glu (NM_001371396.1, NM_001371397.1, NM_001371398.1 and 6 more transcripts); c.473G>A, p.Gly158Glu (NM_001389662.1, NM_001389663.1, NM_001389664.1 and 3 more transcripts); short protein forms G274E, G158E.
Identifiers: ClinVar variation 2602854 (VCV002602854.3), dbSNP rs768573830, ClinGen allele CA3059005.